The following is an entry in ClinVar:

NM_004787.4(SLIT2):c.1039C>G (p.Leu347Val)

Gene: SLIT2 (slit guidance ligand 2; plus strand). Cytogenetic location: 4p15.31.
Variant type: single nucleotide variant.
Coding change: c.1039C>G on transcript NM_004787.4 (MANE Select); coding-DNA position 1039, C replaced by G.
Protein change: p.Leu347Val; replaces leucine 347 with valine.
Molecular consequence: missense variant.
Genome position (GRCh38, 1-based): chr4:20,511,118, C>G. VCF-style: chr4-20511118-C-G. GRCh37 (hg19) VCF-style: chr4-20512741-C-G.
Other names: c.1051C>G, p.Leu351Val (NM_001289135.3); c.1039C>G, p.Leu347Val (NM_001289136.3); short protein forms L347V, L351V.
Identifiers: ClinVar variation 4762659 (VCV004762659.1).
Genomic context (GRCh38, chr4:20,511,118, plus strand): 5'-AATCTTAGTGACCTGAGCAATAATCAGATCTCTGAACTTGCACCAGATGCTTTCCAAGGA[C>G]TACGCTCTCTGAATTCACTGTAAGTATTCACTGTGTCACTGAAGGAAAAGAGAAGCCACA-3'
Protein context (NP_004778.1, residues 337-357): SELAPDAFQG[Leu347Val]RSLNSLVLYG

ClinVar aggregate classification (germline): Uncertain significance (1 of 4 stars; one submission).

Submission:

Labcorp Genetics (formerly Invitae), Labcorp
Classification: Uncertain significance. Last evaluated: 2025-07-10. Review status: criteria provided, single submitter. Criteria: Invitae Variant Classification Sherloc (09022015). Collection method: clinical testing. Allele origin: germline.
Comment: This sequence change replaces leucine, which is neutral and non-polar, with valine, which is neutral and non-polar, at codon 347 of the SLIT2 protein (p.Leu347Val). This variant is not present in population databases (gnomAD no frequency). This variant has not been reported in the literature in individuals affected with SLIT2-related conditions. An algorithm developed to predict the effect of missense changes on protein structure and function (PolyPhen-2) suggests that this variant is likely to be disruptive. In summary, the available evidence is currently insufficient to determine the role of this variant in disease. Therefore, it has been classified as a Variant of Uncertain Significance.